The following is an entry in ClinVar:

NM_000222.3(KIT):c.455A>G (p.Gln152Arg)

Gene: KIT (KIT proto-oncogene, receptor tyrosine kinase; plus strand). Cytogenetic location: 4q12.
Variant type: single nucleotide variant.
Coding change: c.455A>G on transcript NM_000222.3 (MANE Select); coding-DNA position 455, A replaced by G.
Protein change: p.Gln152Arg; replaces glutamine 152 with arginine.
Molecular consequence: missense variant.
Genome position (GRCh38, 1-based): chr4:54,698,401, A>G. VCF-style: chr4-54698401-A-G. GRCh37 (hg19) VCF-style: chr4-55564567-A-G.
Other names: c.455A>G, p.Gln152Arg (NM_001093772.2, NM_001385284.1, NM_001385285.1 and 4 more transcripts); c.455A>G (NM_000222.2); short protein forms Q152R.
Identifiers: ClinVar variation 1000223 (VCV001000223.12), dbSNP rs1720226498, ClinGen allele CA356897625.

ClinVar aggregate classification (germline): Uncertain significance. Review status: criteria provided, multiple submitters, no conflicts (2 of 4 stars). 2 submissions from 2 submitters: Uncertain significance (2). Last evaluated 2025-12-20.

Conditions:
Gastrointestinal stromal tumor. Also called: Gastrointestinal stromal tumor, somatic; Gastrointestinal stroma tumor. Identifiers: Orphanet 44890, MedGen C0238198, MeSH D046152, MONDO:0011719, OMIM 606764, HP:0100723.
Hereditary cancer-predisposing syndrome. Also called: Neoplastic Syndromes, Hereditary; Hereditary Cancer Syndrome; Hereditary neoplastic syndrome; Tumor predisposition. Identifiers: Orphanet 140162, MedGen C0027672, MeSH D009386, MONDO:0015356.

Submissions (2):

Ambry Genetics
Classification: Uncertain significance for Hereditary cancer-predisposing syndrome. Last evaluated: 2025-12-20. Review status: criteria provided, single submitter. Criteria: Ambry Variant Classification Scheme 2023. Collection method: clinical testing. Allele origin: germline.
Comment: The p.Q152R variant (also known as c.455A>G), located in coding exon 3 of the KIT gene, results from an A to G substitution at nucleotide position 455. The glutamine at codon 152 is replaced by arginine, an amino acid with highly similar properties. This amino acid position is conserved. In addition, this alteration is predicted to be tolerated by in silico analysis. Since supporting evidence is limited at this time, the clinical significance of this alteration remains unclear.

Labcorp Genetics (formerly Invitae), Labcorp
Classification: Uncertain significance for Gastrointestinal stromal tumor. Last evaluated: 2021-07-08. Review status: criteria provided, single submitter. Criteria: Invitae Variant Classification Sherloc (09022015). Collection method: clinical testing. Allele origin: germline.
Comment: In summary, the available evidence is currently insufficient to determine the role of this variant in disease. Therefore, it has been classified as a Variant of Uncertain Significance. Algorithms developed to predict the effect of missense changes on protein structure and function are either unavailable or do not agree on the potential impact of this missense change (SIFT: "Deleterious"; PolyPhen-2: "Benign"; Align-GVGD: "Class C0"). This variant has not been reported in the literature in individuals with KIT-related conditions. This variant is not present in population databases (ExAC no frequency). This sequence change replaces glutamine with arginine at codon 152 of the KIT protein (p.Gln152Arg). The glutamine residue is weakly conserved and there is a small physicochemical difference between glutamine and arginine.